The following is an entry in ClinVar:

ClinVar aggregate classification (germline): Conflicting classifications of pathogenicity. Review status: criteria provided, conflicting classifications (1 of 4 stars). 3 submissions from 3 submitters: Likely pathogenic (1); Uncertain significance (2). Last evaluated 2026-01-14.

Conditions:
Neuronal ceroid lipofuscinosis. Also called: Neuronal Ceroid Lipofuscinoses. Identifiers: Orphanet 216, Orphanet 79263, MedGen C0027877, MONDO:0016295. Disease mechanism: loss of function.

Allele frequency attached by ClinVar (database versions not stated): gnomAD 0.00001; gnomAD exomes 0.00001; ExAC 0.00002; 1000 Genomes Project 30x 0.00016; 1000 Genomes Project 0.00020.
gnomAD v4.1: 7 of 1,614,186 alleles (0.00043%); highest among the groups gnomAD compares: Non-Finnish European, 0.00059%; no homozygotes.

Submissions (3):

Natera, Inc.
Classification: Likely pathogenic for Neuronal ceroid lipofuscinosis. Last evaluated: 2026-01-14. Review status: criteria provided, single submitter. Criteria: Natera Variant Classification Schema (03/2026). Collection method: clinical testing. Allele origin: germline.
Comment: The c.619T>C variant in CLN5 is a missense variant predicted to cause substitution of tryptophan to arginine at amino acid 207. This variant is rare in the general population with a frequency below the threshold expected for the associated phenotype(s). This variant has been observed in one or more individuals affected with the associated recessive disease, as either homozygous or compound heterozygous with a second variant (PMID: 28542837, 21990111). This variant has been observed to segregate in affected family members (PMID: 28542837). Computational prediction algorithms indicate this variant is likely to affect gene or protein function. Given the available evidence, this variant is classified as Likely Pathogenic.

Women's Health and Genetics/Laboratory Corporation of America, LabCorp
Classification: Uncertain significance. Last evaluated: 2025-08-18. Review status: criteria provided, single submitter. Criteria: LabCorp Variant Classification Summary - May 2015. Collection method: clinical testing. Allele origin: germline.
Comment: Variant summary: CLN5 c.472T>C (p.Trp158Arg) results in a non-conservative amino acid change in the encoded protein sequence. Algorithms developed to predict the effect of missense changes on protein structure and function all suggest that this variant is likely to be disruptive. The variant allele was found at a frequency of 1.2e-05 in 251486 control chromosomes. c.472T>C has been reported in the literature as a compound heterozygous genotype in at least two individuals affected with Neuronal Ceroid-Lipofuscinosis (Batten Disease) (e.g. Kousi_2012, Simonati_2017). These data indicate that the variant may be associated with disease. To our knowledge, no experimental evidence demonstrating an impact on protein function has been reported. The following publications have been ascertained in the context of this evaluation (PMID: 21990111, 28542837). ClinVar contains an entry for this variant (Variation ID: 1302670). Based on the evidence outlined above, the variant was classified as VUS-possibly pathogenic.

GeneDx
Classification: Uncertain significance. Last evaluated: 2021-04-29. Review status: criteria provided, single submitter. Criteria: GeneDx Variant Classification Process June 2021. Collection method: clinical testing. Allele origin: germline. Affected: yes.
Comment: Not observed at a significant frequency in large population cohorts (Lek et al., 2016); In silico analysis supports that this missense variant has a deleterious effect on protein structure/function; This variant is associated with the following publications: (PMID: 21990111, 32983231, 20157158)

Literature cited by the submitters: PubMed 28542837 (cited by Natera, Inc. and Women's Health and Genetics/Laboratory Corporation of America, LabCorp); PubMed 21990111 (cited by Natera, Inc. and Women's Health and Genetics/Laboratory Corporation of America, LabCorp).

NM_006493.4(CLN5):c.472T>C (p.Trp158Arg)

Gene: CLN5 (CLN5 lysosomal BMP synthase; plus strand). Cytogenetic location: 13q22.3.
Variant type: single nucleotide variant.
Coding change: c.472T>C on transcript NM_006493.4 (MANE Select); coding-DNA position 472, T replaced by C.
Protein change: p.Trp158Arg; replaces tryptophan 158 with arginine.
Molecular consequence: missense variant.
Genome position (GRCh38, 1-based): chr13:76,996,034, T>C. VCF-style: chr13-76996034-T-C. GRCh37 (hg19) VCF-style: chr13-77570169-T-C.
Other names: c.472T>C, p.Trp158Arg (NM_001366624.2); short protein forms W158R.
Identifiers: ClinVar variation 1302670 (VCV001302670.5), dbSNP rs147065248, ClinGen allele CA7007207.